The following is an entry in ClinVar:

NM_001371986.1(UNC80):c.8588C>T (p.Ala2863Val)

Gene: UNC80 (unc-80 subunit of NALCN channel complex; plus strand). Cytogenetic location: 2q34.
Variant type: single nucleotide variant.
Coding change: c.8588C>T on transcript NM_001371986.1 (MANE Select); coding-DNA position 8588, C replaced by T.
Protein change: p.Ala2863Val; replaces alanine 2863 with valine.
Molecular consequence: missense variant.
Genome position (GRCh38, 1-based): chr2:209,976,119, C>T. VCF-style: chr2-209976119-C-T. GRCh37 (hg19) VCF-style: chr2-210840843-C-T.
Other names: c.8390C>T, p.Ala2797Val (NM_032504.2); c.8375C>T, p.Ala2792Val (NM_182587.4); short protein forms A2792V, A2797V, A2863V.
Identifiers: ClinVar variation 2416464 (VCV002416464.5), dbSNP rs957646145, ClinGen allele CA64658617.

ClinVar aggregate classification (germline): Uncertain significance. Review status: criteria provided, multiple submitters, no conflicts (2 of 4 stars). 2 submissions from 2 submitters: Uncertain significance (2). Last evaluated 2022-04-30.

Conditions:
Hypotonia, infantile, with psychomotor retardation and characteristic facies 2 (IHPRF2). Also called: UNC80 Deficiency. Identifiers: Orphanet 371364, Orphanet 700333, MedGen C4225203, MONDO:0014777, OMIM 616801.

Allele frequency attached by ClinVar (database versions not stated): gnomAD exomes 0.00001; TOPMed 0.00001; gnomAD 0.00002.
gnomAD v4.1: 12 of 1,549,664 alleles (0.00077%); highest among the groups gnomAD compares: Admixed American, 0.002%; no homozygotes.

Submissions (2):

Labcorp Genetics (formerly Invitae), Labcorp
Classification: Uncertain significance. Last evaluated: 2022-04-30. Review status: criteria provided, single submitter. Criteria: Invitae Variant Classification Sherloc (09022015). Collection method: clinical testing. Allele origin: germline.
Comment: This sequence change replaces alanine, which is neutral and non-polar, with valine, which is neutral and non-polar, at codon 2797 of the UNC80 protein (p.Ala2797Val). This variant is not present in population databases (gnomAD no frequency). This missense change has been observed in individual(s) with neurodevelopmental disorder(s) (PMID: 28191889). Algorithms developed to predict the effect of missense changes on protein structure and function are either unavailable or do not agree on the potential impact of this missense change (SIFT: "Not Available"; PolyPhen-2: "Possibly Damaging"; Align-GVGD: "Not Available"). In summary, the available evidence is currently insufficient to determine the role of this variant in disease. Therefore, it has been classified as a Variant of Uncertain Significance.

Juno Genomics, Hangzhou Juno Genomics, Inc
Classification: Uncertain significance for Hypotonia, infantile, with psychomotor retardation and characteristic facies 2. Review status: criteria provided, single submitter. Criteria: ACMG Guidelines, 2015. Collection method: clinical testing. Allele origin: germline.
Comment: Absent from controls (or at extremely low frequency if recessive) in Genome Aggregation Database.;Missense variant in a gene that has a low rate of benign missense variation.

Literature cited by the submitters: PubMed 28191889 (cited by Labcorp Genetics (formerly Invitae), Labcorp).